The following is an entry in ClinVar:

ClinVar aggregate classification (germline): Benign (1 of 4 stars; one submission).

Conditions:
Familial cancer of breast. Also called: hereditary breast carcinoma; BREAST CANCER, FAMILIAL; Hereditary breast cancer. Identifiers: Orphanet 227535, MedGen C0346153, MONDO:0016419, OMIM 114480. Disease mechanism: loss of function.

Submission:

Myriad Genetics, Inc.
Classification: Benign for Familial cancer of breast. Last evaluated: 2024-06-10. Review status: criteria provided, single submitter. Criteria: Myriad Autosomal Dominant, Autosomal Recessive and X-Linked Classification Criteria (2023). Collection method: clinical testing. Allele origin: unknown.
Comment: This variant is considered benign. This variant is a silent/synonymous amino acid change and it is not expected to impact splicing.

NM_000051.4(ATM):c.6699C>A (p.Ile2233=)

Genes: ATM (ATM serine/threonine kinase; plus strand), C11orf65 (chromosome 11 open reading frame 65; minus strand). Cytogenetic location: 11q22.3.
Variant type: single nucleotide variant.
Coding change: c.6699C>A on transcript NM_000051.4 (MANE Select); coding-DNA position 6699, C replaced by A.
Protein change: p.Ile2233=; no amino-acid change (isoleucine 2233 retained).
Molecular consequence: synonymous variant. On other transcripts: intron variant (2).
Genome position (GRCh38, 1-based): chr11:108,325,436, C>A. VCF-style: chr11-108325436-C-A. GRCh37 (hg19) VCF-style: chr11-108196163-C-A.
Other names: c.6699C>A, p.Ile2233= (NM_001351834.2); c.641-16365G>T (NM_001330368.2); c.*38+9784G>T (NM_001351110.2).
Identifiers: ClinVar variation 3254176 (VCV003254176.1), dbSNP rs1555119149.